The following is an entry in ClinVar:

NM_003906.5(MCM3AP):c.453T>C (p.Asn151=)

Gene: MCM3AP (minichromosome maintenance complex component 3 associated protein; minus strand). Cytogenetic location: 21q22.3.
Variant type: single nucleotide variant.
Coding change: c.453T>C on transcript NM_003906.5 (MANE Select); coding-DNA position 453, T replaced by C.
Protein change: p.Asn151=; no amino-acid change (asparagine 151 retained).
Molecular consequence: synonymous variant.
Genome position (GRCh38, 1-based): chr21:46,284,834, A>G on the plus strand (T>C on the coding strand, the complement: MCM3AP is on the minus strand). VCF-style: chr21-46284834-A-G. GRCh37 (hg19) VCF-style: chr21-47704748-A-G.
Other names: c.453T>C (NM_003906.4).
Identifiers: ClinVar variation 1585742 (VCV001585742.9), dbSNP rs17176145, ClinGen allele CA10077340.

ClinVar aggregate classification (germline): Likely benign. Review status: criteria provided, multiple submitters, no conflicts (2 of 4 stars). 2 submissions from 2 submitters: Likely benign (2). Last evaluated 2025-12-29.

Conditions:
MCM3AP-related disorder. Also called: MCM3AP-related condition.

Allele frequency attached by ClinVar (database versions not stated): gnomAD exomes 0.00002 and 0.00004; ExAC 0.00003; ESP Exome Variant Server 0.00008; 1000 Genomes Project 30x 0.00016; 1000 Genomes Project 0.00020; gnomAD 0.00023 and 0.00026; TOPMed 0.00025.
gnomAD v4.1: 67 of 1,614,056 alleles (0.0042%); highest among the groups gnomAD compares: African/African-American, 0.084%; no homozygotes.

Submissions (2):

PreventionGenetics, part of Exact Sciences
Classification: Likely benign for MCM3AP-related condition. Last evaluated: 2025-12-29. Review status: criteria provided, single submitter. Criteria: ACMG Guidelines, 2015. Collection method: clinical testing. Allele origin: germline.
Comment: This variant is classified as likely benign based on ACMG/AMP sequence variant interpretation guidelines (Richards et al. 2015 PMID: 25741868, with internal and published modifications).

Labcorp Genetics (formerly Invitae), Labcorp
Classification: Likely benign. Last evaluated: 2025-12-21. Review status: criteria provided, single submitter. Criteria: Invitae Variant Classification Sherloc (09022015). Collection method: clinical testing. Allele origin: germline.